The following is an entry in ClinVar:

ClinVar aggregate classification (germline): Benign. Review status: criteria provided, multiple submitters, no conflicts (2 of 4 stars). 3 submissions from 3 submitters: Benign (2). 1 of the submissions does not count toward it. Last evaluated 2018-03-30.

Conditions:
ACTRT1-related disorder. Also called: ACTRT1-related condition.

Allele frequency attached by ClinVar (database versions not stated): gnomAD exomes 0.00102 and 0.00298; ExAC 0.00381; 1000 Genomes Project 30x 0.00853; 1000 Genomes Project 0.00874; gnomAD 0.00992 and 0.01071; TOPMed 0.01226; ESP Exome Variant Server 0.01448.

Submissions (3):

Labcorp Genetics (formerly Invitae), Labcorp
Classification: Benign. Last evaluated: 2018-03-30. Review status: criteria provided, single submitter. Criteria: Invitae Variant Classification Sherloc (09022015). Collection method: clinical testing. Allele origin: germline.

Breakthrough Genomics
Classification: Benign. Review status: criteria provided, single submitter. Criteria: ACMG Guidelines, 2015. Collection method: not provided. Allele origin: germline. Inheritance: Unknown mechanism. Affected: yes.

PreventionGenetics, part of Exact Sciences
Classification: Benign for ACTRT1-related condition. Last evaluated: 2019-10-24. Review status: no assertion criteria provided. Collection method: clinical testing. Allele origin: germline. Not counted in ClinVar's aggregate classification.
Comment: This variant is classified as benign based on ACMG/AMP sequence variant interpretation guidelines (Richards et al. 2015 PMID: 25741868, with internal and published modifications).

NM_138289.4(ACTRT1):c.939G>T (p.Arg313Ser)

Gene: ACTRT1 (actin related protein T1; minus strand). Cytogenetic location: Xq25.
Variant type: single nucleotide variant.
Coding change: c.939G>T on transcript NM_138289.4 (MANE Select); coding-DNA position 939, G replaced by T.
Protein change: p.Arg313Ser; replaces arginine 313 with serine.
Molecular consequence: missense variant.
Genome position (GRCh38, 1-based): chrX:128,051,268, C>A on the plus strand (G>T on the coding strand, the complement: ACTRT1 is on the minus strand). VCF-style: chrX-128051268-C-A. GRCh37 (hg19) VCF-style: chrX-127185247-C-A.
Other names: short protein forms R313S.
Identifiers: ClinVar variation 720067 (VCV000720067.6), dbSNP rs61741364, ClinGen allele CA10511204.